The following is an entry in ClinVar:

NM_000069.3(CACNA1S):c.1294A>G (p.Lys432Glu)

Gene: CACNA1S (calcium voltage-gated channel subunit alpha1 S; minus strand). Cytogenetic location: 1q32.1.
Variant type: single nucleotide variant.
Coding change: c.1294A>G on transcript NM_000069.3 (MANE Select); coding-DNA position 1294, A replaced by G.
Protein change: p.Lys432Glu; replaces lysine 432 with glutamic acid.
Molecular consequence: missense variant.
Genome position (GRCh38, 1-based): chr1:201,083,261, T>C on the plus strand (A>G on the coding strand, the complement: CACNA1S is on the minus strand). VCF-style: chr1-201083261-T-C. GRCh37 (hg19) VCF-style: chr1-201052389-T-C.
Other names: c.1294A>G (NM_000069.2); short protein forms K432E.
Identifiers: ClinVar variation 2063245 (VCV002063245.6), dbSNP rs757788424, ClinGen allele CA078119.
Genomic context (GRCh38, chr1:201,083,261, plus strand): 5'-CTGAGGCGATAGACAGGGTGTTGAGGGCAACGATGAGAATCACCAGCCAATAGAAGACCT[T>C]GGACTTCACGATGTCATGGCACTTCCAGCGAAAGATGCGGTTCCACTGCCTCCAATGTCG-3'
Protein context (NP_000060.2, residues 422-442): RWKCHDIVKS[Lys432Glu]VFYWLVILIV

ClinVar aggregate classification (germline): Conflicting classifications of pathogenicity. Review status: criteria provided, conflicting classifications (1 of 4 stars). 3 submissions from 3 submitters: Uncertain significance (2); Likely benign (1). Last evaluated 2025-09-22.

Conditions:
Malignant hyperthermia, susceptibility to, 5 (MHS5). Also called: CACNA1S-Related Malignant Hyperthermia Susceptibility. Identifiers: Orphanet 423, MedGen C1866077, MONDO:0011163, OMIM 601887.
Hypokalemic periodic paralysis, type 1. Also called: HypoPP; Hypokalemic Periodic Paralysis Type 1 (AD). Identifiers: Orphanet 681, MedGen C3714580, MONDO:0042979, OMIM 170400.

Allele frequency attached by ClinVar (database versions not stated): ExAC 0.00001; gnomAD exomes 0.00001; TOPMed 0.00001.
gnomAD v4.1: 11 of 1,614,208 alleles (0.00068%); highest among the groups gnomAD compares: South Asian, 0.0044%; no homozygotes.

Submissions (3):

Color Diagnostics, LLC DBA Color Health
Classification: Uncertain significance for Malignant hyperthermia, susceptibility to, 5. Last evaluated: 2025-09-22. Review status: criteria provided, single submitter. Criteria: ACMG Guidelines, 2015. Collection method: clinical testing. Allele origin: germline.
Comment: This missense variant replaces lysine with glutamic acid at codon 432 of the CACNA1S protein. Computational prediction suggests that this variant may not impact protein structure and function. To our knowledge, functional studies have not been reported for this variant. This variant has not been reported in individuals affected with CACNA1S-related disorders in the literature. This variant has been identified in 2/251484 chromosomes in the general population by the Genome Aggregation Database (gnomAD). The available evidence is insufficient to determine the role of this variant in disease conclusively. Therefore, this variant is classified as a Variant of Uncertain Significance.

GeneDx
Classification: Uncertain significance. Last evaluated: 2025-02-12. Review status: criteria provided, single submitter. Criteria: GeneDx Variant Classification Process June 2021. Collection method: clinical testing. Allele origin: germline. Affected: yes.
Comment: Not observed at significant frequency in large population cohorts (gnomAD); In silico analysis indicates that this missense variant does not alter protein structure/function; Has not been previously published as pathogenic or benign to our knowledge

Labcorp Genetics (formerly Invitae), Labcorp
Classification: Likely benign for Hypokalemic periodic paralysis, type 1; Malignant hyperthermia, susceptibility to, 5. Last evaluated: 2025-01-15. Review status: criteria provided, single submitter. Criteria: Invitae Variant Classification Sherloc (09022015). Collection method: clinical testing. Allele origin: germline.